The following is an entry in ClinVar:

ClinVar aggregate classification (germline): Uncertain significance. Review status: criteria provided, multiple submitters, no conflicts (2 of 4 stars). 3 submissions from 3 submitters: Uncertain significance (3). Last evaluated 2025-03-27.

Conditions:
Inborn genetic diseases. Identifiers: MedGen C0950123, MeSH D030342.
Combined oxidative phosphorylation defect type 20. Also called: Combined oxidative phosphorylation deficiency 20. Identifiers: Orphanet 420728, MedGen C4014660, MONDO:0014397, OMIM 615917.

Allele frequency attached by ClinVar (database versions not stated): gnomAD exomes 0.00002; TOPMed below 0.00001; ExAC 0.00001.

Submissions (3):

Ambry Genetics
Classification: Uncertain significance for Inborn genetic diseases. Last evaluated: 2025-03-27. Review status: criteria provided, single submitter. Criteria: Ambry Variant Classification Scheme 2023. Collection method: clinical testing. Allele origin: germline.

Labcorp Genetics (formerly Invitae), Labcorp
Classification: Uncertain significance. Last evaluated: 2023-11-27. Review status: criteria provided, single submitter. Criteria: Invitae Variant Classification Sherloc (09022015). Collection method: clinical testing. Allele origin: germline.
Comment: This sequence change replaces glutamic acid, which is acidic and polar, with glycine, which is neutral and non-polar, at codon 122 of the VARS2 protein (p.Glu122Gly). This variant is present in population databases (rs767695626, gnomAD 0.01%). This variant has not been reported in the literature in individuals affected with VARS2-related conditions. ClinVar contains an entry for this variant (Variation ID: 1029205). An algorithm developed to predict the effect of missense changes on protein structure and function (PolyPhen-2) suggests that this variant is likely to be disruptive. In summary, the available evidence is currently insufficient to determine the role of this variant in disease. Therefore, it has been classified as a Variant of Uncertain Significance.

Baylor Genetics
Classification: Uncertain significance for Combined oxidative phosphorylation defect type 20. Last evaluated: 2019-05-04. Review status: criteria provided, single submitter. Criteria: ACMG Guidelines, 2015. Collection method: clinical testing. Allele origin: paternal. Affected: yes.
Comment: This variant was determined to be of uncertain significance according to ACMG Guidelines, 2015 [PMID:25741868].

NM_020442.6(VARS2):c.275A>G (p.Glu92Gly)

Gene: VARS2 (valyl-tRNA synthetase 2, mitochondrial; plus strand). Cytogenetic location: 6p21.33.
Variant type: single nucleotide variant.
Coding change: c.275A>G on transcript NM_020442.6 (MANE Select); coding-DNA position 275, A replaced by G.
Protein change: p.Glu92Gly; replaces glutamic acid 92 with glycine.
Molecular consequence: missense variant. On other transcripts: 5 prime UTR variant (1).
Genome position (GRCh38, 1-based): chr6:30,915,229, A>G. VCF-style: chr6-30915229-A-G. GRCh37 (hg19) VCF-style: chr6-30883006-A-G.
Other names: c.-146A>G (NM_001167733.3); c.365A>G, p.Glu122Gly (NM_001167734.2); short protein forms E122G, E92G.
Identifiers: ClinVar variation 1029205 (VCV001029205.8), dbSNP rs767695626, ClinGen allele CA3705537.